The following is an entry in ClinVar:

NM_005430.4(WNT1):c.689G>A (p.Arg230His)

Gene: WNT1 (Wnt family member 1; plus strand). Cytogenetic location: 12q13.12.
Variant type: single nucleotide variant.
Coding change: c.689G>A on transcript NM_005430.4 (MANE Select); coding-DNA position 689, G replaced by A.
Protein change: p.Arg230His; replaces arginine 230 with histidine.
Molecular consequence: missense variant.
Genome position (GRCh38, 1-based): chr12:48,981,216, G>A. VCF-style: chr12-48981216-G-A. GRCh37 (hg19) VCF-style: chr12-49374999-G-A.
Other names: short protein forms R230H.
Identifiers: ClinVar variation 1419732 (VCV001419732.9), dbSNP rs560459579, ClinGen allele CA6544455.

ClinVar aggregate classification (germline): Uncertain significance. Review status: criteria provided, multiple submitters, no conflicts (2 of 4 stars). 3 submissions from 3 submitters: Uncertain significance (3). Last evaluated 2023-12-20.

Conditions:
Osteogenesis imperfecta (OI). Identifiers: Orphanet 666, MedGen C0029434, MeSH D010013, MONDO:0019019.
Inborn genetic diseases. Identifiers: MedGen C0950123, MeSH D030342.

Allele frequency attached by ClinVar (database versions not stated): gnomAD 0.00001 and 0.00007; TOPMed 0.00001; gnomAD exomes 0.00014; ExAC 0.00020; 1000 Genomes Project 30x 0.00047; 1000 Genomes Project 0.00060.

Submissions (3):

Ambry Genetics
Classification: Uncertain significance for Inborn genetic diseases. Last evaluated: 2023-12-20. Review status: criteria provided, single submitter. Criteria: Ambry Variant Classification Scheme 2023. Collection method: clinical testing. Allele origin: germline.

Labcorp Genetics (formerly Invitae), Labcorp
Classification: Uncertain significance. Last evaluated: 2023-11-19. Review status: criteria provided, single submitter. Criteria: Invitae Variant Classification Sherloc (09022015). Collection method: clinical testing. Allele origin: germline.
Comment: This sequence change replaces arginine, which is basic and polar, with histidine, which is basic and polar, at codon 230 of the WNT1 protein (p.Arg230His). This variant is present in population databases (rs560459579, gnomAD 0.1%). This variant has not been reported in the literature in individuals affected with WNT1-related conditions. ClinVar contains an entry for this variant (Variation ID: 1419732). Advanced modeling of protein sequence and biophysical properties (such as structural, functional, and spatial information, amino acid conservation, physicochemical variation, residue mobility, and thermodynamic stability) performed at Invitae indicates that this missense variant is not expected to disrupt WNT1 protein function with a negative predictive value of 80%. In summary, the available evidence is currently insufficient to determine the role of this variant in disease. Therefore, it has been classified as a Variant of Uncertain Significance.

Genome Diagnostics Laboratory, The Hospital for Sick Children
Classification: Uncertain significance for Osteogenesis imperfecta. Last evaluated: 2020-10-15. Review status: criteria provided, single submitter. Criteria: ACMG Guidelines, 2015. Collection method: clinical testing. Allele origin: germline.